The following is an entry in ClinVar:

ClinVar aggregate classification (germline): Pathogenic (1 of 4 stars; one submission).

Conditions:
Ehlers-Danlos syndrome due to tenascin-X deficiency (EDSCLL1). Also called: EDS DUE TO TNX DEFICIENCY; TNX DEFICIENCY; Ehlers-Danlos syndrome, classic-like, 1; EHLERS-DANLOS SYNDROME, CLASSIC-LIKE; TNXB-Related Classical-Like Ehlers-Danlos Syndrome. Identifiers: Orphanet 230839, MedGen C1848029, MONDO:0011670, OMIM 606408.

Submission:

Myriad Genetics, Inc.
Classification: Pathogenic for Ehlers-Danlos syndrome due to tenascin-X deficiency. Last evaluated: 2025-05-11. Review status: criteria provided, single submitter. Criteria: Myriad Autosomal Dominant, Autosomal Recessive and X-Linked Classification Criteria (2023). Collection method: clinical testing. Allele origin: unknown.
Comment: NM_019105.6(TNXB):c.8401A>T(K2801*) is expected to be pathogenic in the context of classical-like Ehlers-Danlos syndrome, TNXB-related. This variant is predicted to lead to an abnormal or absent protein product due to the creation of a premature termination codon in TNXB, a gene where loss-of-function variants are known to be pathogenic. Please note: this variant was assessed in the context of healthy population screening.

NM_001365276.2(TNXB):c.8401A>T (p.Lys2801Ter)

Gene: TNXB (tenascin XB; minus strand). Cytogenetic location: 6p21.33.
Variant type: single nucleotide variant.
Coding change: c.8401A>T on transcript NM_001365276.2 (MANE Select); coding-DNA position 8401, A replaced by T.
Protein change: p.Lys2801Ter; replaces lysine 2801 with a stop codon.
Molecular consequence: nonsense.
Genome position (GRCh38, 1-based): chr6:32,055,917, T>A on the plus strand (A>T on the coding strand, the complement: TNXB is on the minus strand). VCF-style: chr6-32055917-T-A. GRCh37 (hg19) VCF-style: chr6-32023694-T-A.
Other names: c.9142A>T, p.Lys3048Ter (NM_001428335.1); c.8401A>T, p.Lys2801Ter (NM_019105.8); short protein forms K2801*, K3048*.
Identifiers: ClinVar variation 5014423 (VCV005014423.1).